The following is an entry in ClinVar:

ClinVar aggregate classification (germline): Uncertain significance (1 of 4 stars; one submission).

Allele frequency attached by ClinVar (database versions not stated): gnomAD exomes below 0.00001; gnomAD 0.00001; TOPMed 0.00001.
gnomAD v4.1: 5 of 1,613,882 alleles (0.00031%); highest among the groups gnomAD compares: Non-Finnish European, 0.00042%; no homozygotes.

Submission:

Labcorp Genetics (formerly Invitae), Labcorp
Classification: Uncertain significance. Last evaluated: 2022-05-03. Review status: criteria provided, single submitter. Criteria: Invitae Variant Classification Sherloc (09022015). Collection method: clinical testing. Allele origin: germline.
Comment: This sequence change replaces alanine, which is neutral and non-polar, with threonine, which is neutral and polar, at codon 1919 of the VCAN protein (p.Ala1919Thr). This variant is not present in population databases (gnomAD no frequency). This variant has not been reported in the literature in individuals affected with VCAN-related conditions. Algorithms developed to predict the effect of missense changes on protein structure and function output the following: SIFT: "Deleterious"; PolyPhen-2: "Benign"; Align-GVGD: "Class C0". The threonine amino acid residue is found in multiple mammalian species, which suggests that this missense change does not adversely affect protein function. In summary, the available evidence is currently insufficient to determine the role of this variant in disease. Therefore, it has been classified as a Variant of Uncertain Significance.

NM_004385.5(VCAN):c.5755G>A (p.Ala1919Thr)

Genes: VCAN (versican; plus strand), VCAN-AS1 (VCAN antisense RNA 1; minus strand). Cytogenetic location: 5q14.3.
Variant type: single nucleotide variant.
Coding change: c.5755G>A on transcript NM_004385.5 (MANE Select); coding-DNA position 5755, G replaced by A.
Protein change: p.Ala1919Thr; replaces alanine 1919 with threonine.
Molecular consequence: missense variant. On other transcripts: intron variant (2).
Genome position (GRCh38, 1-based): chr5:83,538,758, G>A. VCF-style: chr5-83538758-G-A. GRCh37 (hg19) VCF-style: chr5-82834577-G-A.
Other names: c.2794G>A, p.Ala932Thr (NM_001164097.2); c.4004-6779G>A (NM_001164098.2); c.1043-6779G>A (NM_001126336.3); short protein forms A1919T, A932T.
Identifiers: ClinVar variation 2133265 (VCV002133265.4), dbSNP rs917091738, ClinGen allele CA121809709.
Genomic context (GRCh38, chr5:83,538,758, plus strand): 5'-ATAACCCAAACATCCAGGGAAATAGTGATTTCAGAGCGATTAGGAGAACCAAATTATGGG[G>A]CAGAAATAAGGGGCTTTTCCACAGGTTTTCCTTTGGAGGAAGATTTCAGTGGTGACTTTA-3'
Protein context (NP_004376.2, residues 1909-1929): SERLGEPNYG[Ala1919Thr]EIRGFSTGFP